The following is an entry in ClinVar:

ClinVar aggregate classification (germline): Pathogenic. Review status: criteria provided, single submitter (1 of 4 stars). 2 submissions from 2 submitters: Pathogenic (1). 1 of the submissions does not count toward it. Last evaluated 2024-09-06.

Conditions:
Early-infantile DEE. Also called: Early infantile epileptic encephalopathy; Ohtahara syndrome; Early infantile epileptic encephalopathy with suppression bursts. Identifiers: Orphanet 1934, MedGen C0393706, MONDO:0800491.
Seizures, benign familial neonatal, 1. Also called: KCNQ2-Related Benign Familial Neonatal Epilepsy; Benign Neonatal Epilepsy 1; KCNQ2-Related Self-Limited Familial Neonatal Epilepsy (SLFNE); Seizures, benign neonatal, 1. Identifiers: Orphanet 1949, MedGen C3149074, MONDO:0007365, OMIM 121200.

Submissions (2):

Labcorp Genetics (formerly Invitae), Labcorp
Classification: Pathogenic for Early-infantile DEE. Last evaluated: 2024-09-06. Review status: criteria provided, single submitter. Criteria: Invitae Variant Classification Sherloc (09022015). Collection method: clinical testing. Allele origin: germline.
Comment: This sequence change affects a donor splice site in intron 11 of the KCNQ2 gene. It is expected to disrupt RNA splicing. Variants that disrupt the donor or acceptor splice site typically lead to a loss of protein function (PMID: 16199547), and loss-of-function variants in KCNQ2 are known to be pathogenic (PMID: 14534157, 23692823, 27779742). This variant is not present in population databases (gnomAD no frequency). Disruption of this splice site has been observed in individual(s) with autism spectrum disorder, benign familial neonatal-infantile seizures., and/or clinical features of KCNQ2-related conditions (PMID: 23849776, 25982755; internal data). In at least one individual the variant was observed to be de novo. ClinVar contains an entry for this variant (Variation ID: 369791). Algorithms developed to predict the effect of sequence changes on RNA splicing suggest that this variant may disrupt the consensus splice site. For these reasons, this variant has been classified as Pathogenic.

GeneReviews
No classification provided. Condition: Seizures, benign familial neonatal, 1. Review status: no classification provided. Collection method: literature only. Allele origin: germline. Affected: yes. Not counted in ClinVar's aggregate classification.
Comment: BFNE (benign familial neonatal epilepsy)

Literature cited by the submitters: PubMed 16199547 (cited by Labcorp Genetics (formerly Invitae), Labcorp); PubMed 14534157 (cited by Labcorp Genetics (formerly Invitae), Labcorp); PubMed 23692823 (cited by Labcorp Genetics (formerly Invitae), Labcorp); PubMed 27779742 (cited by Labcorp Genetics (formerly Invitae), Labcorp); PubMed 23849776 (cited by Labcorp Genetics (formerly Invitae), Labcorp); PubMed 25982755 (cited by Labcorp Genetics (formerly Invitae), Labcorp and GeneReviews); NCBI Bookshelf NBK32534 (cited by GeneReviews).

NM_172107.4(KCNQ2):c.1247+1G>A

Gene: KCNQ2 (potassium voltage-gated channel subfamily Q member 2; minus strand). Cytogenetic location: 20q13.33.
Variant type: single nucleotide variant.
Coding change: c.1247+1G>A on transcript NM_172107.4 (MANE Select); the canonical splice donor site of the intron after coding-DNA position 1247, G replaced by A.
Molecular consequence: splice donor variant.
Genome position (GRCh38, 1-based): chr20:63,424,176, C>T on the plus strand (G>A on the coding strand, the complement: KCNQ2 is on the minus strand). VCF-style: chr20-63424176-C-T. GRCh37 (hg19) VCF-style: chr20-62055529-C-T.
Other names: c.1217+1G>A (NM_004518.6); c.1247+1G>A (NM_172108.5, NM_172106.3, NM_001382235.1).
Identifiers: ClinVar variation 369791 (VCV000369791.5), dbSNP rs1057516115, ClinGen allele CA10654791.